The following is an entry in ClinVar:

ClinVar aggregate classification (germline): Likely pathogenic. Review status: criteria provided, multiple submitters, no conflicts (2 of 4 stars). 5 submissions from 5 submitters: Likely pathogenic (4). 1 of the submissions does not count toward it. Last evaluated 2025-08-16.

Conditions:
Charcot-Marie-Tooth disease. Also called: Charcot-Marie-Tooth Neuropathy; Charcot-Marie-Tooth Hereditary Neuropathy. Identifiers: Orphanet 166, MedGen C0007959, MONDO:0015626.
Charcot-Marie-Tooth disease, type I (CMT1). Also called: Charcot-Marie-Tooth, Type 1; Charcot-Marie-Tooth disease type 1. Identifiers: Orphanet 65753, MedGen C0751036, MONDO:0019011.
Charcot-Marie-Tooth disease type 1B. Also called: PERONEAL MUSCULAR ATROPHY; CHARCOT-MARIE-TOOTH DISEASE, AUTOSOMAL DOMINANT, WITH FOCALLY FOLDED MYELIN SHEATHS, TYPE 1B; CHARCOT-MARIE-TOOTH DISEASE, SLOW NERVE CONDUCTION TYPE, LINKED TO DUFFY; CHARCOT-MARIE-TOOTH NEUROPATHY, TYPE 1B; HEREDITARY MOTOR AND SENSORY NEUROPATHY I; HEREDITARY MOTOR AND SENSORY NEUROPATHY IB. Identifiers: Orphanet 101082, MedGen C0270912, MONDO:0007307, OMIM 118200.

Submissions (5):

Variantyx, Inc.
Classification: Likely pathogenic for Charcot-Marie-Tooth disease type 1B. Last evaluated: 2025-08-16. Review status: criteria provided, single submitter. Criteria: Variantyx Assertion Criteria 2022. Collection method: clinical testing. Allele origin: germline. Inheritance: Autosomal dominant inheritance. Affected: yes.
Comment: This is a nonsynonymous variant in the MPZ gene (OMIM: 159440). Pathogenic variants in this gene have been associated with autosomal dominant Charcot-Marie-Tooth disease type 1B (CMT1B). Computational algorithms produce conflicting evidence regarding the predicted functional impact of this variant (REVEL score: 0.379), but functional studies have shown that this variant alters MPZ protein function (PMID: 29687021) (PS3). Moreover, two alternate amino acid changes at this position (p.Thr65Asn, p.Thr65Ile) have been previously reported in similarly affected individuals, which suggests that this residue is biologically important (PMID: 20456450, 12402337, 15050444, 24028194) (PM5). This variant is absent from control populations (PM2). Based on the current evidence, this variant is classified as likely pathogenic for autosomal dominant Charcot-Marie-Tooth disease type 1B (CMT1B).

Mayo Clinic Laboratories, Mayo Clinic
Classification: Likely pathogenic. Last evaluated: 2025-06-11. Review status: criteria provided, single submitter. Criteria: ACMG Guidelines, 2015. Collection method: clinical testing. Allele origin: germline. Observed: 1 variant allele.
Comment: PM2_supporting, PS3, PS4_moderate

Athena Diagnostics
Classification: Likely pathogenic. Last evaluated: 2025-01-17. Review status: criteria provided, single submitter. Criteria: Athena Diagnostics Criteria. Collection method: clinical testing. Allele origin: unknown.
Comment: This variant has not been reported in large, multi-ethnic general populations. This variant has been identified in at least one individual with clinical features associated with Charcot-Marie-Tooth disease (CMT). Multiple missense variants at this codon have been reported in individuals with clinical features associated with this gene. At least one of those variants is considered to be pathogenic or likely pathogenic, suggesting this variant also causes disease. Polyphen and MutationTaster predict this amino acid change may be damaging to the protein.

Labcorp Genetics (formerly Invitae), Labcorp
Classification: Likely pathogenic for Charcot-Marie-Tooth disease, type I. Last evaluated: 2024-04-22. Review status: criteria provided, single submitter. Criteria: Invitae Variant Classification Sherloc (09022015). Collection method: clinical testing. Allele origin: germline.
Comment: This sequence change replaces threonine, which is neutral and polar, with alanine, which is neutral and non-polar, at codon 65 of the MPZ protein (p.Thr65Ala). This variant is not present in population databases (gnomAD no frequency). This missense change has been observed in individuals with Charcot-Marie-Tooth disease (PMID: 15036333, 30677751). ClinVar contains an entry for this variant (Variation ID: 447727). Advanced modeling of protein sequence and biophysical properties (such as structural, functional, and spatial information, amino acid conservation, physicochemical variation, residue mobility, and thermodynamic stability) has been performed at Invitae for this missense variant, however the output from this modeling did not meet the statistical confidence thresholds required to predict the impact of this variant on MPZ protein function. Experimental studies have shown that this missense change affects MPZ function (PMID: 29687021). This variant disrupts the p.Thr65 amino acid residue in MPZ. Other variant(s) that disrupt this residue have been determined to be pathogenic (PMID: 20456450). This suggests that this residue is clinically significant, and that variants that disrupt this residue are likely to be disease-causing. In summary, the currently available evidence indicates that the variant is pathogenic, but additional data are needed to prove that conclusively. Therefore, this variant has been classified as Likely Pathogenic.

Inherited Neuropathy Consortium
Classification: Uncertain significance for Charcot-Marie-Tooth disease. Review status: no assertion criteria provided. Collection method: literature only. Allele origin: germline. Affected: yes. Not counted in ClinVar's aggregate classification.

Literature cited by the submitters: PubMed 20456450 (cited by Variantyx, Inc. and Labcorp Genetics (formerly Invitae), Labcorp); PubMed 12402337 (cited by Variantyx, Inc.); PubMed 15050444 (cited by Variantyx, Inc.); PubMed 24028194 (cited by Variantyx, Inc.); PubMed 15036333 (cited by 5 submitters); PubMed 30677751 (cited by 4 submitters); PubMed 33179255 (cited by 3 submitters); PubMed 29687021 (cited by 4 submitters); PubMed 26135405 (cited by Mayo Clinic Laboratories, Mayo Clinic and Athena Diagnostics); PubMed 26310628 (cited by Mayo Clinic Laboratories, Mayo Clinic and Athena Diagnostics); PubMed 33842081 (cited by Mayo Clinic Laboratories, Mayo Clinic).

NM_000530.8(MPZ):c.193A>G (p.Thr65Ala)

Gene: MPZ (myelin protein zero; minus strand). Cytogenetic location: 1q23.3.
Variant type: single nucleotide variant.
Coding change: c.193A>G on transcript NM_000530.8 (MANE Select); coding-DNA position 193, A replaced by G.
Protein change: p.Thr65Ala; replaces threonine 65 with alanine.
Molecular consequence: missense variant.
Genome position (GRCh38, 1-based): chr1:161,307,299, T>C on the plus strand (A>G on the coding strand, the complement: MPZ is on the minus strand). VCF-style: chr1-161307299-T-C. GRCh37 (hg19) VCF-style: chr1-161277089-T-C.
Other names: c.193A>G (LRG_256t1); c.193A>G, p.Thr65Ala (NM_001315491.2); short protein forms T65A.
Identifiers: ClinVar variation 447727 (VCV000447727.7), dbSNP rs1553259760, ClinGen allele CA343350622.